The following is an entry in ClinVar:

NM_000256.3(MYBPC3):c.2842_2843del (p.Asn948fs)

Gene: MYBPC3 (myosin binding protein C3; minus strand). Cytogenetic location: 11p11.2.
Variant type: Deletion.
Coding change: c.2842_2843del on transcript NM_000256.3 (MANE Select); coding-DNA positions 2842 to 2843, 2 bases deleted (AA; older notation c.2842_2843delAA).
Protein change: p.Asn948fs; shifts the reading frame from asparagine 948.
Molecular consequence: frameshift variant.
Genome position (GRCh38, 1-based): chr11:47,335,104-47,335,105, TT deleted on the plus strand (AA on the coding strand, the reverse complement: MYBPC3 is on the minus strand). VCF-style (leftmost placement, unchanged base first): chr11-47335103-ATT-A. GRCh37 (hg19) VCF-style: chr11-47356654-ATT-A.
Other names: c.2842_2843delAA (NM_000256.3); short protein forms N948fs.
Identifiers: ClinVar variation 1284776 (VCV001284776.6), dbSNP rs2142852888, ClinGen allele CA2499220963.

ClinVar aggregate classification (germline): Pathogenic. Review status: criteria provided, single submitter (1 of 4 stars). 3 submissions from 3 submitters: Pathogenic (1). 2 of the submissions do not count toward it. Last evaluated 2019-10-04.

Conditions:
Cardiovascular phenotype. Identifiers: MedGen CN230736.

Submissions (3):

Ambry Genetics
Classification: Pathogenic for Cardiovascular phenotype. Last evaluated: 2019-10-04. Review status: criteria provided, single submitter. Criteria: Ambry Variant Classification Scheme 2023. Collection method: clinical testing. Allele origin: germline.
Comment: The c.2842_2843delAA pathogenic mutation, located in coding exon 27 of the MYBPC3 gene, results from a deletion of two nucleotides at nucleotide positions 2842 to 2843, causing a translational frameshift with a predicted alternate stop codon (p.N948Yfs*102). This alteration is expected to result in loss of function by premature protein truncation or nonsense-mediated mRNA decay. As such, this alteration is interpreted as a disease-causing mutation.

Clinical Genetics, Academic Medical Center
Classification: Pathogenic. Review status: no assertion criteria provided. Collection method: clinical testing. Allele origin: germline. Affected: yes. Study: VKGL Data-share Consensus. Not counted in ClinVar's aggregate classification.

Joint Genome Diagnostic Labs from Nijmegen and Maastricht, Radboudumc and MUMC+
Classification: Pathogenic. Review status: no assertion criteria provided. Collection method: clinical testing. Allele origin: germline. Affected: yes. Study: VKGL Data-share Consensus. Not counted in ClinVar's aggregate classification.